The following is an entry in ClinVar:

ClinVar aggregate classification (germline): Uncertain significance (1 of 4 stars; one submission).

gnomAD v4.1: 1 of 1,614,076 alleles (0.000062%); highest among the groups gnomAD compares: Non-Finnish European, 0.000085%; no homozygotes.

Submission:

Ambry Genetics
Classification: Uncertain significance. Last evaluated: 2024-05-02. Review status: criteria provided, single submitter. Criteria: Ambry Variant Classification Scheme 2023. Collection method: clinical testing. Allele origin: germline.
Comment: The p.L371P variant (also known as c.1112T>C), located in coding exon 3 of the ALPK2 gene, results from a T to C substitution at nucleotide position 1112. The leucine at codon 371 is replaced by proline, an amino acid with similar properties. This amino acid position is conserved. In addition, this alteration is predicted to be tolerated by in silico analysis. Based on the available evidence, the clinical significance of this variant remains unclear.

NM_052947.4(ALPK2):c.1112T>C (p.Leu371Pro)

Genes: ALPK2 (alpha kinase 2; minus strand), LOC114803473 (ALPK2 eExon liver enhancer; plus strand). Cytogenetic location: 18q21.31.
Variant type: single nucleotide variant.
Coding change: c.1112T>C on transcript NM_052947.4 (MANE Select); coding-DNA position 1112, T replaced by C.
Protein change: p.Leu371Pro; replaces leucine 371 with proline.
Molecular consequence: missense variant.
Genome position (GRCh38, 1-based): chr18:58,579,664, A>G on the plus strand (T>C on the coding strand, the complement: ALPK2 is on the minus strand). VCF-style: chr18-58579664-A-G. GRCh37 (hg19) VCF-style: chr18-56246896-A-G.
Other names: short protein forms L371P.
Identifiers: ClinVar variation 3290295 (VCV003290295.1).